The following is an entry in ClinVar:

ClinVar aggregate classification (germline): Uncertain significance (1 of 4 stars; one submission).

Allele frequency attached by ClinVar (database versions not stated): TOPMed below 0.00001.

Submission:

Women's Health and Genetics/Laboratory Corporation of America, LabCorp
Classification: Uncertain significance. Last evaluated: 2022-11-05. Review status: criteria provided, single submitter. Criteria: LabCorp Variant Classification Summary - May 2015. Collection method: clinical testing. Allele origin: germline.
Comment: Variant summary: EP300 c.2596C>A (p.Pro866Thr) results in a non-conservative amino acid change in the encoded protein sequence. Three of five in-silico tools predict a benign effect of the variant on protein function. The variant was absent in 251246 control chromosomes (gnomAD). The available data on variant occurrences in the general population are insufficient to allow any conclusion about variant significance. To our knowledge, no occurrence of c.2596C>A in individuals affected with Rubinstein-Taybi Syndrome 2 and no experimental evidence demonstrating its impact on protein function have been reported. No clinical diagnostic laboratories have submitted clinical-significance assessments for this variant to ClinVar after 2014. Based on the evidence outlined above, the variant was classified as uncertain significance.

NM_001429.4(EP300):c.2596C>A (p.Pro866Thr)

Gene: EP300 (E1A binding protein p300; plus strand). Cytogenetic location: 22q13.2.
Variant type: single nucleotide variant.
Coding change: c.2596C>A on transcript NM_001429.4 (MANE Select); coding-DNA position 2596, C replaced by A.
Protein change: p.Pro866Thr; replaces proline 866 with threonine.
Molecular consequence: missense variant.
Genome position (GRCh38, 1-based): chr22:41,149,977, C>A. VCF-style: chr22-41149977-C-A. GRCh37 (hg19) VCF-style: chr22-41545981-C-A.
Other names: c.2518C>A, p.Pro840Thr (NM_001362843.2); short protein forms P840T, P866T.
Identifiers: ClinVar variation 1804731 (VCV001804731.1), dbSNP rs1427681457, ClinGen allele CA411691609.